The following is an entry in ClinVar:

NM_002838.5(PTPRC):c.3670G>A (p.Val1224Ile)

Gene: PTPRC (protein tyrosine phosphatase receptor type C; plus strand). Cytogenetic location: 1q32.1.
Variant type: single nucleotide variant.
Coding change: c.3670G>A on transcript NM_002838.5 (MANE Select); coding-DNA position 3670, G replaced by A.
Protein change: p.Val1224Ile; replaces valine 1224 with isoleucine.
Molecular consequence: missense variant.
Genome position (GRCh38, 1-based): chr1:198,755,930, G>A. VCF-style: chr1-198755930-G-A. GRCh37 (hg19) VCF-style: chr1-198725059-G-A.
Other names: c.3187G>A, p.Val1063Ile (NM_080921.4); short protein forms V1224I, V1063I.
Identifiers: ClinVar variation 440224 (VCV000440224.65), dbSNP rs150672767, ClinGen allele CA1315534.
Genomic context (GRCh38, chr1:198,755,930, plus strand): 5'-TTCTTCATGTAATTTCCCACTTAATTCCTTTACTAGGAGCAATATCAATTCCTATATGAC[G>A]TCATTGCCAGCACCTACCCTGCTCAGAATGGACAAGTAAAGAAAAACAACCATCAAGAAG-3'
Protein context (NP_002829.3, residues 1214-1234): TFEQYQFLYD[Val1224Ile]IASTYPAQNG

ClinVar aggregate classification (germline): Conflicting classifications of pathogenicity. Review status: criteria provided, conflicting classifications (1 of 4 stars). 9 submissions from 9 submitters: Uncertain significance (2); Benign (2); Likely benign (2). 3 of the submissions do not count toward it. Last evaluated 2026-08-01.

Conditions:
PTPRC-related disorder. Also called: PTPRC-related condition.
Immunodeficiency 104. Also called: Severe combined immunodeficiency, autosomal recessive, T cell-negative, B cell-positive, NK cell-positive; Severe Combined Immune Deficiency, Autosomal Recessive, TCell -Negative, B Cell-Positive, NK Cell-Positive, IL7R-Related; IMMUNODEFICIENCY 104, SEVERE COMBINED; SCID, AUTOSOMAL RECESSIVE, T CELL-NEGATIVE, B CELL-POSITIVE, NK CELL-POSITIVE. Identifiers: MedGen C5676890, MONDO:0012163, OMIM 608971.

Allele frequency attached by ClinVar (database versions not stated): 1000 Genomes Project 30x 0.00016; 1000 Genomes Project 0.00020; gnomAD 0.00147 and 0.00156; ExAC 0.00159; TOPMed 0.00176; gnomAD exomes 0.00194; ESP Exome Variant Server 0.00269.
gnomAD v4.1: 2,404 of 1,611,676 alleles (0.15%); highest among the groups gnomAD compares: Middle Eastern, 0.53%; 9 homozygotes.

Submissions (9):

CeGaT Center for Human Genetics Tuebingen
Classification: Likely benign. Last evaluated: 2026-08-01. Review status: criteria provided, single submitter. Criteria: CeGaT Center For Human Genetics Tuebingen Variant Classification Criteria Version 2. Collection method: clinical testing. Allele origin: germline. Affected: yes. Observed: 2 variant alleles.
Comment: PTPRC: BP4, BS1

Labcorp Genetics (formerly Invitae), Labcorp
Classification: Benign for Immunodeficiency 104. Last evaluated: 2026-02-01. Review status: criteria provided, single submitter. Criteria: Invitae Variant Classification Sherloc (09022015). Collection method: clinical testing. Allele origin: germline.

Blueprint Genetics
Classification: Likely benign. Last evaluated: 2024-11-26. Review status: criteria provided, single submitter. Criteria: ACMG Guidelines, 2015. Collection method: clinical testing. Allele origin: germline.

Women's Health and Genetics/Laboratory Corporation of America, LabCorp
Classification: Benign. Last evaluated: 2022-07-12. Review status: criteria provided, single submitter. Criteria: LabCorp Variant Classification Summary - May 2015. Collection method: clinical testing. Allele origin: germline.

GeneDx
Classification: Uncertain significance. Last evaluated: 2017-08-24. Review status: criteria provided, single submitter. Criteria: GeneDx Variant Classification (06012015). Collection method: clinical testing. Allele origin: germline. Affected: yes.
Comment: The V1222I variant in the PTPRC gene has not been reported previously as a pathogenic variant, nor as a benign variant, to our knowledge. The V1222I variant is observed in 164/66528 (0.247%) alleles from individuals of non-Finnish European background in the ExAC dataset, and no individuals are reported to be homozygous (Lek et al., 2016). The V1222I variant is a conservative amino acid substitution, which is not likely to impact secondary protein structure as these residues share similar properties. This substitution occurs at a position where amino acids with similar properties to Valine are tolerated across species. In silico analysis predicts this variant likely does not alter the protein structure/function. We interpret V1222I as a variant of uncertain significance.

ARUP Laboratories, Molecular Genetics and Genomics, ARUP Laboratories
Classification: Uncertain significance. Last evaluated: 2017-06-23. Review status: criteria provided, single submitter. Criteria: ARUP Molecular Germline Variant Investigation Process. Collection method: clinical testing. Allele origin: germline.
Comment: The p.Val1224Ile variant has not been reported in the scientific medical literature or gene specific variant databases. This variant (rs150672767) is listed in the Exome Aggregation Consortium with an overall allele frequency of 0.16 percent. Valine at codon 1224 is weakly conserved considering 10 species (Alamut software v2.7.1), and Orangutan, Rhesus, Baboon, Mouse and Xenopus tropicalis all have isoleucine, suggesting that this amino acid change may be evolutionary tolerated. Additionally, computational analyses do not agree in their assessment of the impact on the protein (PolyPhen2: benign, SIFT: tolerated, and Mutation Taster: disease causing). Thus, even though the conservation and computational data suggest that this variant may represent a benign polymorphism, the clinical significance of p.Val1224Ile variant cannot be determined with certainty. Pathogenic variants in PTPRC are causative for severe combined immunodeficiency (MIM: 608971), and are inherited in autosomal recessive manner. Thus, even if p.Val1224Ile was subsequently determined to be pathogenic, based on the available information, this patient would be a carrier, and may be affected if a second pathogenic PTPRC variant is present on the opposite chromosome but could not be detected by this assay (eg, deep intronic variants, or regulatory region variants).

PreventionGenetics, part of Exact Sciences
Classification: Benign for PTPRC-related condition. Last evaluated: 2019-09-26. Review status: no assertion criteria provided. Collection method: clinical testing. Allele origin: germline. Not counted in ClinVar's aggregate classification.
Comment: This variant is classified as benign based on ACMG/AMP sequence variant interpretation guidelines (Richards et al. 2015 PMID: 25741868, with internal and published modifications).

Clinical Genetics DNA and cytogenetics Diagnostics Lab, Erasmus MC, Erasmus Medical Center
Classification: Likely benign. Review status: no assertion criteria provided. Collection method: clinical testing. Allele origin: germline. Affected: yes. Study: VKGL Data-share Consensus. Not counted in ClinVar's aggregate classification.

Genome Diagnostics Laboratory, University Medical Center Utrecht
Classification: Likely benign. Review status: no assertion criteria provided. Collection method: clinical testing. Allele origin: germline. Affected: yes. Study: VKGL Data-share Consensus. Not counted in ClinVar's aggregate classification.